The following is an entry in ClinVar:

NM_007294.4(BRCA1):c.5277+2T>A

Gene: BRCA1 (BRCA1 DNA repair associated; minus strand). Cytogenetic location: 17q21.31.
Variant type: single nucleotide variant.
Coding change: c.5277+2T>A on transcript NM_007294.4 (MANE Select); the canonical splice donor site of the intron after coding-DNA position 5277, T replaced by A.
Molecular consequence: splice donor variant.
Genome position (GRCh38, 1-based): chr17:43,057,050, A>T on the plus strand (T>A on the coding strand, the complement: BRCA1 is on the minus strand). VCF-style: chr17-43057050-A-T. GRCh37 (hg19) VCF-style: chr17-41209067-A-T.
Other names: c.5133+2T>A (NM_001407742.1, NM_001407945.1, NM_001407736.1 and 21 more transcripts); c.1704+2T>A (NM_001408498.1, NM_001408499.1, NM_001408501.1 and 3 more transcripts); c.5010+2T>A (NM_001407928.1, NM_001407931.1, NM_001407930.1 and 4 more transcripts); c.5013+2T>A (NM_001407925.1, NM_001407920.1, NM_001407923.1 and 4 more transcripts); c.1824+2T>A (NM_001408467.1, NM_001408459.1, NM_001408462.1 and 7 more transcripts); c.5136+2T>A (NM_007297.4, NM_001407724.1, NM_001407697.1 and 13 more transcripts); c.1764+2T>A (NM_001408475.1, NM_001408476.1); c.5070+2T>A (NM_001407875.1, NM_001407874.1); and 72 more.
Identifiers: ClinVar variation 865229 (VCV000865229.3), dbSNP rs2051494815, ClinGen allele CA10590996.

Conditions:
Breast-ovarian cancer, familial, susceptibility to, 1 (BROVCA1). Also called: BRCA1 Hereditary Breast and Ovarian Cancer; OVARIAN CANCER, SUSCEPTIBILITY TO. Identifiers: Orphanet 145, MedGen C2676676, MONDO:0011450, OMIM 604370. Disease mechanism: loss of function.

Submission:

Brotman Baty Institute, University of Washington
No classification provided (evidence only). Condition: Breast-ovarian cancer, familial 1. Review status: no classification provided. Collection method: in vitro. Allele origin: not applicable. Functional consequence: functionally_abnormal.
ClinVar note: "not provided" was previously submitted as the classification for the variant. However, the classification appeared to be based only on an observation of functional data so it was converted to no classification on 2025-07-30.